The following is an entry in ClinVar:

NM_001386393.1(PANK2):c.846_847del (p.Gly283_Val284insTer)

Gene: PANK2 (pantothenate kinase 2; plus strand). Cytogenetic location: 20p13.
Variant type: Deletion.
Coding change: c.846_847del on transcript NM_001386393.1 (MANE Select); coding-DNA positions 846 to 847, 2 bases deleted (AG; older notation c.846_847delAG).
Protein change: p.Gly283_Val284insTer.
Molecular consequence: frameshift variant. On other transcripts: 5 prime UTR variant (1), non-coding transcript variant (1).
Genome position (GRCh38, 1-based): chr20:3,910,771-3,910,772, AG deleted. VCF-style (leftmost placement, unchanged base first): chr20-3910770-CAG-C. GRCh37 (hg19) VCF-style: chr20-3891417-CAG-C.
Other names: c.1176_1177del (NM_153638.2); c.1176_1177delAG (NM_153638.2); c.303_304del, p.Gly102_Val103insTer (NM_001324191.2, NM_024960.6, NM_153640.4); c.-133_-132del (NM_001324193.2); c.1176_1177del, p.Gly393_Val394insTer (NM_153638.4).
Identifiers: ClinVar variation 456524 (VCV000456524.12), dbSNP rs778550409, ClinGen allele CA9750781.

ClinVar aggregate classification (germline): Pathogenic. Review status: criteria provided, multiple submitters, no conflicts (2 of 4 stars). 3 submissions from 3 submitters: Pathogenic (3). Last evaluated 2024-12-31.

Conditions:
Pigmentary pallidal degeneration (NBIA1). Also called: PKAN NEUROAXONAL DYSTROPHY, JUVENILE-ONSET; Pantothenate Kinase-Associated Neurodegeneration; Neuroaxonal dystrophy, late infantile; Hallervorden-Spatz disease; Neurodegeneration with brain iron accumulation 1; HARP SYNDROME. Identifiers: Orphanet 157850, MedGen C0018523, MONDO:0009319, OMIM 234200.

Allele frequency attached by ClinVar (database versions not stated): gnomAD exomes below 0.00001 and 0.00002; TOPMed 0.00001; ExAC 0.00003.

Submissions (3):

3billion
Classification: Pathogenic for Pigmentary pallidal degeneration. Last evaluated: 2024-12-31. Review status: criteria provided, single submitter. Criteria: ACMG Guidelines, 2015. Collection method: clinical testing. Allele origin: germline. Affected: yes.
Comment: The variant is observed at an extremely low frequency in the gnomAD v4.1.0 dataset (total allele frequency: <0.001%). Predicted Consequence/Location: Stop-gained (nonsense): predicted to result in a loss or disruption of normal protein function through nonsense-mediated decay (NMD) or protein truncation. Multiple pathogenic variants are reported downstream of the variant. The variant has been reported at least twice as pathogenic with clinical assertions and evidence for the classification (ClinVar ID: VCV000456524 /PMID: 11479594 /3billion dataset). Therefore, this variant is classified as Pathogenic according to the recommendation of ACMG/AMP guideline.

Labcorp Genetics (formerly Invitae), Labcorp
Classification: Pathogenic for Pigmentary pallidal degeneration. Last evaluated: 2024-03-23. Review status: criteria provided, single submitter. Criteria: Invitae Variant Classification Sherloc (09022015). Collection method: clinical testing. Allele origin: germline.
Comment: This sequence change creates a premature translational stop signal (p.Val394*) in the PANK2 gene. It is expected to result in an absent or disrupted protein product. Loss-of-function variants in PANK2 are known to be pathogenic (PMID: 11479594, 12510040). This variant is present in population databases (rs778550409, gnomAD 0.01%). This premature translational stop signal has been observed in individual(s) with Hallervorden-Spatz syndrome (PMID: 11479594). This variant is also known as c.876-877del, codon 281. ClinVar contains an entry for this variant (Variation ID: 456524). Algorithms developed to predict the effect of sequence changes on RNA splicing suggest that this variant may disrupt the consensus splice site. For these reasons, this variant has been classified as Pathogenic.

GeneDx
Classification: Pathogenic. Last evaluated: 2022-08-16. Review status: criteria provided, single submitter. Criteria: GeneDx Variant Classification Process June 2021. Collection method: clinical testing. Allele origin: germline. Affected: yes.
Comment: Nonsense variant predicted to result in protein truncation or nonsense mediated decay in a gene for which loss of function is a known mechanism of disease; Not observed at significant frequency in large population cohorts (gnomAD); This variant is associated with the following publications: (PMID: 31884352, 31540697, 16437574, 11479594)

Literature cited by the submitters: PubMed 11479594 (cited by 3billion and Labcorp Genetics (formerly Invitae), Labcorp); PubMed 12510040 (cited by Labcorp Genetics (formerly Invitae), Labcorp).